The following is an entry in ClinVar:

ClinVar aggregate classification (germline): Uncertain significance (0 of 4 stars; one submission).

Allele frequency attached by ClinVar (database versions not stated): TOPMed below 0.00001; gnomAD 0.00001.
gnomAD v4.1: 1 of 1,611,220 alleles (0.000062%); highest among the groups gnomAD compares: Non-Finnish European, 0.000085%; no homozygotes.

Submission:

Genetic Services Laboratory, University of Chicago
Classification: Uncertain significance. Last evaluated: 2022-07-15. Review status: no assertion criteria provided. Collection method: clinical testing. Allele origin: germline. Affected: no.
Comment: DNA sequence analysis of the JAK2 gene demonstrated a sequence change, c.1153A>G, in exon 9 that results in an amino acid change, p.Lys385Glu. This sequence change does not appear to have been previously described in individuals with JAK2-related disorders and has also not been described in population databases such as ExAC and gnomAD). The p.Lys385Glu change affects a highly conserved amino acid residue located in a domain of the JAK2 protein that is known to be functional. In-silico pathogenicity prediction tools (SIFT, PolyPhen2, Align GVGD, REVEL) provide contradictory results for the p.Lys385Glu substitution. Due to insufficient evidences and the lack of functional studies, the clinical significance of the p.Lys385Glu change remains unknown at this time.

NM_004972.4(JAK2):c.1153A>G (p.Lys385Glu)

Genes: INSL6 (insulin like 6; minus strand), JAK2 (Janus kinase 2; plus strand). Cytogenetic location: 9p24.1.
Variant type: single nucleotide variant.
Coding change: c.1153A>G on transcript NM_004972.4 (MANE Select); coding-DNA position 1153, A replaced by G.
Protein change: p.Lys385Glu; replaces lysine 385 with glutamic acid.
Molecular consequence: missense variant. On other transcripts: 5 prime UTR variant (2), non-coding transcript variant (2).
Genome position (GRCh38, 1-based): chr9:5,064,979, A>G. VCF-style: chr9-5064979-A-G. GRCh37 (hg19) VCF-style: chr9-5064979-A-G.
Other names: c.1153A>G, p.Lys385Glu (NM_001322194.2, NM_001322195.2, NM_001322196.2); c.-63A>G (NM_001322198.2, NM_001322199.2); c.706A>G, p.Lys236Glu (NM_001322204.2); short protein forms K236E, K385E.
Identifiers: ClinVar variation 2443154 (VCV002443154.2), dbSNP rs1250998599, ClinGen allele CA372823823.